The following is an entry in ClinVar:

ClinVar aggregate classification (germline): Uncertain significance. Review status: criteria provided, multiple submitters, no conflicts (2 of 4 stars). 2 submissions from 2 submitters: Uncertain significance (2). Last evaluated 2025-02-22.

Conditions:
Inborn genetic diseases. Identifiers: MedGen C0950123, MeSH D030342.

Allele frequency attached by ClinVar (database versions not stated): gnomAD exomes 0.00002; ExAC 0.00004; gnomAD 0.00003; TOPMed 0.00007.
gnomAD v4.1: 29 of 1,614,002 alleles (0.0018%); highest among the groups gnomAD compares: Admixed American, 0.017%; no homozygotes.

Submissions (2):

Ambry Genetics
Classification: Uncertain significance for Inborn genetic diseases. Last evaluated: 2025-02-22. Review status: criteria provided, single submitter. Criteria: Ambry Variant Classification Scheme 2023. Collection method: clinical testing. Allele origin: germline.

Labcorp Genetics (formerly Invitae), Labcorp
Classification: Uncertain significance. Last evaluated: 2022-11-08. Review status: criteria provided, single submitter. Criteria: Invitae Variant Classification Sherloc (09022015). Collection method: clinical testing. Allele origin: germline.
Comment: In summary, the available evidence is currently insufficient to determine the role of this variant in disease. Therefore, it has been classified as a Variant of Uncertain Significance. Advanced modeling of protein sequence and biophysical properties (such as structural, functional, and spatial information, amino acid conservation, physicochemical variation, residue mobility, and thermodynamic stability) performed at Invitae indicates that this missense variant is not expected to disrupt KLHL3 protein function. This variant has not been reported in the literature in individuals affected with KLHL3-related conditions. This variant is present in population databases (rs748373118, gnomAD 0.03%). This sequence change replaces glycine, which is neutral and non-polar, with serine, which is neutral and polar, at codon 369 of the KLHL3 protein (p.Gly369Ser).

NM_017415.3(KLHL3):c.1105G>A (p.Gly369Ser)

Gene: KLHL3 (kelch like family member 3; minus strand). Cytogenetic location: 5q31.2.
Variant type: single nucleotide variant.
Coding change: c.1105G>A on transcript NM_017415.3 (MANE Select); coding-DNA position 1105, G replaced by A.
Protein change: p.Gly369Ser; replaces glycine 369 with serine.
Molecular consequence: missense variant.
Genome position (GRCh38, 1-based): chr5:137,639,067, C>T on the plus strand (G>A on the coding strand, the complement: KLHL3 is on the minus strand). VCF-style: chr5-137639067-C-T. GRCh37 (hg19) VCF-style: chr5-136974756-C-T.
Other names: c.1009G>A, p.Gly337Ser (NM_001257194.1); c.859G>A, p.Gly287Ser (NM_001257195.2); c.1105G>A (NM_017415.2); short protein forms G337S, G369S, G287S.
Identifiers: ClinVar variation 2073119 (VCV002073119.5), dbSNP rs748373118, ClinGen allele CA3422291.